The following is an entry in ClinVar:

NM_000349.3(STAR):c.307-1G>A

Gene: STAR (steroidogenic acute regulatory protein; minus strand). Cytogenetic location: 8p11.23.
Variant type: single nucleotide variant.
Coding change: c.307-1G>A on transcript NM_000349.3 (MANE Select); the canonical splice acceptor site of the intron before coding-DNA position 307, G replaced by A.
Molecular consequence: splice acceptor variant.
Genome position (GRCh38, 1-based): chr8:38,146,448, C>T on the plus strand (G>A on the coding strand, the complement: STAR is on the minus strand). VCF-style: chr8-38146448-C-T. GRCh37 (hg19) VCF-style: chr8-38003966-C-T.
Identifiers: ClinVar variation 1066647 (VCV001066647.6), dbSNP rs2130614519, ClinGen allele CA370701282.

ClinVar aggregate classification (germline): Likely pathogenic. Review status: criteria provided, single submitter (1 of 4 stars). 2 submissions from 2 submitters: Likely pathogenic (1). 1 of the submissions does not count toward it. Last evaluated 2020-05-30.

Conditions:
Congenital lipoid adrenal hyperplasia due to STAR deficency. Also called: Cholesterol monooxygenase (side-chain cleaving) deficiency; Lipoid adrenal hyperplasia; ADRENAL HYPERPLASIA I; Congenital Lipoid Adrenal Hyperplasia. Identifiers: Orphanet 418, Orphanet 90790, MedGen C0342474, MONDO:0008725, OMIM 201710.

Submissions (2):

Labcorp Genetics (formerly Invitae), Labcorp
Classification: Likely pathogenic. Last evaluated: 2020-05-30. Review status: criteria provided, single submitter. Criteria: Invitae Variant Classification Sherloc (09022015). Collection method: clinical testing. Allele origin: germline.
Comment: Algorithms developed to predict the effect of sequence changes on RNA splicing suggest that this variant may disrupt the consensus splice site, but this prediction has not been confirmed by published transcriptional studies. Donor and acceptor splice site variants typically lead to a loss of protein function (PMID: 16199547), and loss-of-function variants in STAR are known to be pathogenic (PMID: 8948562). In summary, the currently available evidence indicates that the variant is pathogenic, but additional data are needed to prove that conclusively. Therefore, this variant has been classified as Likely Pathogenic. This variant has not been reported in the literature in individuals with STAR-related conditions. This variant is not present in population databases (ExAC no frequency). This sequence change affects an acceptor splice site in intron 3 of the STAR gene. It is expected to disrupt RNA splicing and likely results in an absent or disrupted protein product.

Natera, Inc.
Classification: Likely pathogenic for Congenital lipoid adrenal hyperplasia. Last evaluated: 2020-06-17. Review status: no assertion criteria provided. Collection method: clinical testing. Allele origin: germline. Not counted in ClinVar's aggregate classification.

Literature cited by the submitters: PubMed 16199547 (cited by Labcorp Genetics (formerly Invitae), Labcorp); PubMed 8948562 (cited by Labcorp Genetics (formerly Invitae), Labcorp).